The following is an entry in ClinVar:

NM_032043.3(BRIP1):c.1308A>T (p.Glu436Asp)

Gene: BRIP1 (BRCA1 interacting DNA helicase 1; minus strand). Cytogenetic location: 17q23.2.
Variant type: single nucleotide variant.
Coding change: c.1308A>T on transcript NM_032043.3 (MANE Select); coding-DNA position 1308, A replaced by T.
Protein change: p.Glu436Asp; replaces glutamic acid 436 with aspartic acid.
Molecular consequence: missense variant.
Genome position (GRCh38, 1-based): chr17:61,799,132, T>A on the plus strand (A>T on the coding strand, the complement: BRIP1 is on the minus strand). VCF-style: chr17-61799132-T-A. GRCh37 (hg19) VCF-style: chr17-59876493-T-A.
Other names: short protein forms E436D.
Identifiers: ClinVar variation 2626381 (VCV002626381.2), dbSNP rs2145301245, ClinGen allele CA400483447.

ClinVar aggregate classification (germline): Uncertain significance (1 of 4 stars; one submission).

Conditions:
Hereditary cancer-predisposing syndrome. Also called: Tumor predisposition; Hereditary Cancer Syndrome; Hereditary neoplastic syndrome; Neoplastic Syndromes, Hereditary. Identifiers: Orphanet 140162, MedGen C0027672, MeSH D009386, MONDO:0015356.

Submission:

Ambry Genetics
Classification: Uncertain significance for Hereditary cancer-predisposing syndrome. Last evaluated: 2023-07-28. Review status: criteria provided, single submitter. Criteria: Ambry Variant Classification Scheme 2023. Collection method: clinical testing. Allele origin: germline.
Comment: The p.E436D variant (also known as c.1308A>T), located in coding exon 8 of the BRIP1 gene, results from an A to T substitution at nucleotide position 1308. The glutamic acid at codon 436 is replaced by aspartic acid, an amino acid with highly similar properties. This amino acid position is conserved. In addition, this alteration is predicted to be tolerated by in silico analysis. Since supporting evidence is limited at this time, the clinical significance of this alteration remains unclear.